The following is an entry in ClinVar:

ClinVar aggregate classification (germline): Pathogenic/Likely pathogenic. Review status: criteria provided, multiple submitters, no conflicts (2 of 4 stars). 4 submissions from 4 submitters: Pathogenic (3); Likely pathogenic (1). Last evaluated 2024-07-09.

Conditions:
Neurofibromatosis, type 1 (NF1). Also called: VON RECKLINGHAUSEN DISEASE; Peripheral type neurofibromatosis; Neurofibromatosis, type I; NEUROFIBROMATOSIS, TYPE I, SOMATIC. Identifiers: Orphanet 636, MedGen C0027831, MONDO:0018975, OMIM 162200. Disease mechanism: loss of function.
NF1-related disorder. Also called: NF1-related condition. Identifiers: MedGen CN379171.

Allele frequency attached by ClinVar (database versions not stated): gnomAD exomes below 0.00001.
gnomAD v4.1: 1 of 1,614,098 alleles (0.000062%); highest among the groups gnomAD compares: Non-Finnish European, 0.000085%; no homozygotes.

Submissions (4):

Mayo Clinic Laboratories, Mayo Clinic
Classification: Pathogenic. Last evaluated: 2024-07-09. Review status: criteria provided, single submitter. Criteria: ACMG Guidelines, 2015. Collection method: clinical testing. Allele origin: germline. Observed: 1 variant allele.
Comment: PP4, PM2, PVS1

Blueprint Genetics
Classification: Likely pathogenic for NF1-related disorders. Last evaluated: 2022-03-25. Review status: criteria provided, single submitter. Criteria: ACMG Guidelines, 2015. Collection method: clinical testing. Allele origin: germline. Affected: yes. Observed: 1 variant allele.

Labcorp Genetics (formerly Invitae), Labcorp
Classification: Pathogenic for Neurofibromatosis, type 1. Last evaluated: 2022-01-17. Review status: criteria provided, single submitter. Criteria: Invitae Variant Classification Sherloc (09022015). Collection method: clinical testing. Allele origin: germline.
Comment: For these reasons, this variant has been classified as Pathogenic. This variant has not been reported in the literature in individuals affected with NF1-related conditions. This variant is not present in population databases (gnomAD no frequency). This sequence change creates a premature translational stop signal (p.Ser2311*) in the NF1 gene. It is expected to result in an absent or disrupted protein product. Loss-of-function variants in NF1 are known to be pathogenic (PMID: 10712197, 23913538).

Clinical Genetics Service, Universitary Hospital 12 de Octubre
Classification: Pathogenic for Neurofibromatosis, type 1. Review status: criteria provided, single submitter. Criteria: ACMG Guidelines, 2015. Collection method: clinical testing. Allele origin: germline. Affected: yes.

Literature cited by the submitters: PubMed 10712197 (cited by Labcorp Genetics (formerly Invitae), Labcorp); PubMed 23913538 (cited by Labcorp Genetics (formerly Invitae), Labcorp).

NM_001042492.3(NF1):c.6995C>G (p.Ser2332Ter)

Gene: NF1 (neurofibromin 1; plus strand). Cytogenetic location: 17q11.2.
Variant type: single nucleotide variant.
Coding change: c.6995C>G on transcript NM_001042492.3 (MANE Select); coding-DNA position 6995, C replaced by G.
Protein change: p.Ser2332Ter; replaces serine 2332 with a stop codon.
Molecular consequence: nonsense.
Genome position (GRCh38, 1-based): chr17:31,340,578, C>G. VCF-style: chr17-31340578-C-G. GRCh37 (hg19) VCF-style: chr17-29667596-C-G.
Other names: p.Ser2311*; c.6932C>G, p.Ser2311Ter (NM_000267.4); short protein forms S2332*, S2311*.
Identifiers: ClinVar variation 2086993 (VCV002086993.7), dbSNP rs2151561754, ClinGen allele CA399015000.